The following is an entry in ClinVar:

ClinVar aggregate classification (germline): Benign/Likely benign. Review status: criteria provided, multiple submitters, no conflicts (2 of 4 stars). 5 submissions from 5 submitters: Benign (1); Likely benign (4). Last evaluated 2026-09-01.

Conditions:
Knobloch syndrome (KNO). Also called: RETINAL DETACHMENT AND OCCIPITAL ENCEPHALOCELE; Myopia retinal detachment encephalocele. Identifiers: Orphanet 1571, MedGen C1849409, MONDO:0800166.

Allele frequency attached by ClinVar (database versions not stated): gnomAD exomes 0.00023 and 0.00077; 1000 Genomes Project 30x 0.00031; 1000 Genomes Project 0.00040; ExAC 0.00040; gnomAD 0.00051 and 0.00053; TOPMed 0.00081.
gnomAD v4.1: 420 of 1,557,920 alleles (0.027%); highest among the groups gnomAD compares: Admixed American, 0.38%; 1 homozygote.

Submissions (5):

CeGaT Center for Human Genetics Tuebingen
Classification: Likely benign. Last evaluated: 2026-09-01. Review status: criteria provided, single submitter. Criteria: CeGaT Center For Human Genetics Tuebingen Variant Classification Criteria Version 2. Collection method: clinical testing. Allele origin: germline. Affected: yes. Observed: 4 variant alleles.
Comment: COL18A1: BP4, BP7

Labcorp Genetics (formerly Invitae), Labcorp
Classification: Benign. Last evaluated: 2026-02-01. Review status: criteria provided, single submitter. Criteria: Invitae Variant Classification Sherloc (09022015). Collection method: clinical testing. Allele origin: germline.

Blueprint Genetics
Classification: Likely benign. Last evaluated: 2024-11-26. Review status: criteria provided, single submitter. Criteria: ACMG Guidelines, 2015. Collection method: clinical testing. Allele origin: germline.

Illumina Laboratory Services, Illumina
Classification: Likely benign for Knobloch syndrome 1. Last evaluated: 2018-01-13. Review status: criteria provided, single submitter. Criteria: ICSL Variant Classification Criteria 13 December 2019. Collection method: clinical testing. Allele origin: germline.
Comment: This variant was observed in the ICSL laboratory as part of a predisposition screen in an ostensibly healthy population. It had not been previously curated by ICSL or reported in the Human Gene Mutation Database (HGMD: prior to June 1st, 2018), and was therefore a candidate for classification through an automated scoring system. Utilizing variant allele frequency, disease prevalence and penetrance estimates, and inheritance mode, an automated score was calculated to assess if this variant is too frequent to cause the disease. Based on the score and internal cut-off values, a variant classified as likely benign is not then subjected to further curation. The score for this variant resulted in a classification of likely benign for this disease.

Breakthrough Genomics
Classification: Likely benign. Review status: criteria provided, single submitter. Criteria: ACMG Guidelines, 2015. Collection method: not provided. Allele origin: germline. Inheritance: Autosomal recessive inheritance. Affected: yes.

NM_001379500.1(COL18A1):c.2328G>A (p.Leu776=)

Gene: COL18A1 (collagen type XVIII alpha 1 chain; plus strand). Cytogenetic location: 21q22.3.
Variant type: single nucleotide variant.
Coding change: c.2328G>A on transcript NM_001379500.1 (MANE Select); coding-DNA position 2328, G replaced by A.
Protein change: p.Leu776=; no amino-acid change (leucine 776 retained).
Molecular consequence: synonymous variant.
Genome position (GRCh38, 1-based): chr21:45,493,551, G>A. VCF-style: chr21-45493551-G-A. GRCh37 (hg19) VCF-style: chr21-46913465-G-A.
Other names: NM_130445.3:c.2328G>A; NM_130445.2:c.2328G>A; c.2868G>A, p.Leu956= (NM_030582.4); c.3573G>A, p.Leu1191= (NM_130444.3).
Identifiers: ClinVar variation 777060 (VCV000777060.21), dbSNP rs537203447, ClinGen allele CA10066988.
Genomic context (GRCh38, chr21:45,493,551, plus strand): 5'-GCCATTCCAGGGTGAGAAGGGTGAACCGGGCAGCATCTTCAGCCCCGACGGCGGTGCCCT[G>A]GGCCCTGCCCAGAAAGGAGCCAAGGTGAGGGCCGGGCAGCCTCCTTCCGGCAGGCGTGGG-3'
Protein context (NP_001366429.1, residues 766-786): GSIFSPDGGA[Leu776=]GPAQKGAKGE